The following is an entry in ClinVar:

NM_001159699.2(FHL1):c.618C>G (p.Thr206=)

Gene: FHL1 (four and a half LIM domains 1; plus strand). Cytogenetic location: Xq26.3.
Variant type: single nucleotide variant.
Coding change: c.618C>G on transcript NM_001159699.2 (MANE Select); coding-DNA position 618, C replaced by G.
Protein change: p.Thr206=; no amino-acid change (threonine 206 retained).
Molecular consequence: synonymous variant. On other transcripts: non-coding transcript variant (1), intron variant (2).
Genome position (GRCh38, 1-based): chrX:136,208,523, C>G. VCF-style: chrX-136208523-C-G. GRCh37 (hg19) VCF-style: chrX-135290682-C-G.
Other names: c.570C>G, p.Thr190= (NM_001159700.2, NM_001159702.3, NM_001159704.1 and 8 more transcripts); c.657C>G, p.Thr219= (NM_001159701.2); c.501+562C>G (NM_001159703.2); c.549+562C>G (NM_001330659.2).
Identifiers: ClinVar variation 513436 (VCV000513436.3), dbSNP rs1556639368, ClinGen allele CA518489555.

ClinVar aggregate classification (germline): Likely benign. Review status: criteria provided, multiple submitters, no conflicts (2 of 4 stars). 2 submissions from 2 submitters: Likely benign (2). Last evaluated 2025-01-23.

Conditions:
X-linked myopathy with postural muscle atrophy. Also called: FHL1-Related Emery-Dreifuss Muscular Dystrophy, X-Linked. Identifiers: Orphanet 178461, MedGen C2678055, MONDO:0010401, OMIM 300696.

Submissions (2):

Labcorp Genetics (formerly Invitae), Labcorp
Classification: Likely benign for X-linked myopathy with postural muscle atrophy. Last evaluated: 2025-01-23. Review status: criteria provided, single submitter. Criteria: Invitae Variant Classification Sherloc (09022015). Collection method: clinical testing. Allele origin: germline.

GeneDx
Classification: Likely benign. Last evaluated: 2017-11-27. Review status: criteria provided, single submitter. Criteria: GeneDx Variant Classification (06012015). Collection method: clinical testing. Allele origin: germline. Affected: yes.
Comment: This variant is considered likely benign or benign based on one or more of the following criteria: it is a conservative change, it occurs at a poorly conserved position in the protein, it is predicted to be benign by multiple in silico algorithms, and/or has population frequency not consistent with disease.